The following is an entry in ClinVar:

ClinVar aggregate classification (germline): Likely benign (1 of 4 stars; one submission).

Allele frequency attached by ClinVar (database versions not stated): gnomAD exomes 0.00002; TOPMed 0.00002; ExAC 0.00003; gnomAD 0.00003; ESP Exome Variant Server 0.00015.
gnomAD v4.1: 38 of 1,608,858 alleles (0.0024%); highest among the groups gnomAD compares: Non-Finnish European, 0.0031%; no homozygotes.

Submission:

CeGaT Center for Human Genetics Tuebingen
Classification: Likely benign. Last evaluated: 2023-04-01. Review status: criteria provided, single submitter. Criteria: CeGaT Center For Human Genetics Tuebingen Variant Classification Criteria Version 2. Collection method: clinical testing. Allele origin: germline. Affected: yes. Observed: 1 variant allele.
Comment: BIRC6: BP4, BP7

NM_016252.4(BIRC6):c.8106T>G (p.Thr2702=)

Gene: BIRC6 (baculoviral IAP repeat containing 6; plus strand). Cytogenetic location: 2p22.3.
Variant type: single nucleotide variant.
Coding change: c.8106T>G on transcript NM_016252.4 (MANE Select); coding-DNA position 8106, T replaced by G.
Protein change: p.Thr2702=; no amino-acid change (threonine 2702 retained).
Molecular consequence: synonymous variant.
Genome position (GRCh38, 1-based): chr2:32,490,051, T>G. VCF-style: chr2-32490051-T-G. GRCh37 (hg19) VCF-style: chr2-32715118-T-G.
Other names: c.8103T>G, p.Thr2701= (NM_001378125.1).
Identifiers: ClinVar variation 2650814 (VCV002650814.24), dbSNP rs149077460, ClinGen allele CA1604255.
Genomic context (GRCh38, chr2:32,490,051, plus strand): 5'-ATAAACATTGTTTTTCTGAAAAATATTTTCCCTTTCTCTTTTCTGCATAGCATCAATAAC[T>G]AGCTTTCTCACAGTGTTAGCTTGGTATCCCAATACTTTGCTCCGGACATGGTGCCTTGTG-3'
Protein context (NP_057336.3, residues 2692-2712): PVISLNQASI[Thr2702=]SFLTVLAWYP